The following is an entry in ClinVar:

NM_004525.3(LRP2):c.10036A>G (p.Ile3346Val)

Gene: LRP2 (LDL receptor related protein 2; minus strand). Cytogenetic location: 2q31.1.
Variant type: single nucleotide variant.
Coding change: c.10036A>G on transcript NM_004525.3 (MANE Select); coding-DNA position 10036, A replaced by G.
Protein change: p.Ile3346Val; replaces isoleucine 3346 with valine.
Molecular consequence: missense variant.
Genome position (GRCh38, 1-based): chr2:169,181,581, T>C on the plus strand (A>G on the coding strand, the complement: LRP2 is on the minus strand). VCF-style: chr2-169181581-T-C. GRCh37 (hg19) VCF-style: chr2-170038091-T-C.
Other names: short protein forms I3346V.
Identifiers: ClinVar variation 1431481 (VCV001431481.6), dbSNP rs369484329, ClinGen allele CA1953435.

ClinVar aggregate classification (germline): Uncertain significance. Review status: criteria provided, multiple submitters, no conflicts (2 of 4 stars). 2 submissions from 2 submitters: Uncertain significance (2). Last evaluated 2022-08-20.

Allele frequency attached by ClinVar (database versions not stated): TOPMed 0.00001; ESP Exome Variant Server 0.00015.

Submissions (2):

Labcorp Genetics (formerly Invitae), Labcorp
Classification: Uncertain significance. Last evaluated: 2022-08-20. Review status: criteria provided, single submitter. Criteria: Invitae Variant Classification Sherloc (09022015). Collection method: clinical testing. Allele origin: germline.
Comment: This sequence change replaces isoleucine, which is neutral and non-polar, with valine, which is neutral and non-polar, at codon 3346 of the LRP2 protein (p.Ile3346Val). This variant is present in population databases (rs369484329, gnomAD 0.0009%). This variant has not been reported in the literature in individuals affected with LRP2-related conditions. ClinVar contains an entry for this variant (Variation ID: 1431481). Advanced modeling of protein sequence and biophysical properties (such as structural, functional, and spatial information, amino acid conservation, physicochemical variation, residue mobility, and thermodynamic stability) performed at Invitae indicates that this missense variant is not expected to disrupt LRP2 protein function. In summary, the available evidence is currently insufficient to determine the role of this variant in disease. Therefore, it has been classified as a Variant of Uncertain Significance.

Blueprint Genetics
Classification: Uncertain significance. Last evaluated: 2022-05-16. Review status: criteria provided, single submitter. Criteria: ACMG Guidelines, 2015. Collection method: clinical testing. Allele origin: germline.